The following is an entry in ClinVar:

NM_024700.4(SNIP1):c.306C>G (p.His102Gln)

Gene: SNIP1 (Smad nuclear interacting protein 1; minus strand). Cytogenetic location: 1p34.3.
Variant type: single nucleotide variant.
Coding change: c.306C>G on transcript NM_024700.4 (MANE Select); coding-DNA position 306, C replaced by G.
Protein change: p.His102Gln; replaces histidine 102 with glutamine.
Molecular consequence: missense variant.
Genome position (GRCh38, 1-based): chr1:37,552,666, G>C on the plus strand (C>G on the coding strand, the complement: SNIP1 is on the minus strand). VCF-style: chr1-37552666-G-C. GRCh37 (hg19) VCF-style: chr1-38018267-G-C.
Other names: short protein forms H102Q.
Identifiers: ClinVar variation 4761709 (VCV004761709.1).

ClinVar aggregate classification (germline): Uncertain significance (1 of 4 stars; one submission).

gnomAD v4.1: 16 of 1,614,154 alleles (0.00099%); highest among the groups gnomAD compares: African/African-American, 0.0053%; no homozygotes.

Submission:

Labcorp Genetics (formerly Invitae), Labcorp
Classification: Uncertain significance. Last evaluated: 2025-09-03. Review status: criteria provided, single submitter. Criteria: Invitae Variant Classification Sherloc (09022015). Collection method: clinical testing. Allele origin: germline.
Comment: This sequence change replaces histidine, which is basic and polar, with glutamine, which is neutral and polar, at codon 102 of the SNIP1 protein (p.His102Gln). This variant is not present in population databases (gnomAD no frequency). This variant has not been reported in the literature in individuals affected with SNIP1-related conditions. Invitae Evidence Modeling of protein sequence and biophysical properties (such as structural, functional, and spatial information, amino acid conservation, physicochemical variation, residue mobility, and thermodynamic stability) indicates that this missense variant is not expected to disrupt SNIP1 protein function with a negative predictive value of 80%. In summary, the available evidence is currently insufficient to determine the role of this variant in disease. Therefore, it has been classified as a Variant of Uncertain Significance.